The following is an entry in ClinVar:

NM_000587.4(C7):c.134C>T (p.Thr45Ile)

Gene: C7 (complement C7; plus strand). Cytogenetic location: 5p13.1.
Variant type: single nucleotide variant.
Coding change: c.134C>T on transcript NM_000587.4 (MANE Select); coding-DNA position 134, C replaced by T.
Protein change: p.Thr45Ile; replaces threonine 45 with isoleucine.
Molecular consequence: missense variant.
Genome position (GRCh38, 1-based): chr5:40,931,135, C>T. VCF-style: chr5-40931135-C-T. GRCh37 (hg19) VCF-style: chr5-40931237-C-T.
Other names: c.134C>T (NM_000587.3); short protein forms T45I.
Identifiers: ClinVar variation 1084122 (VCV001084122.12), dbSNP rs78327832, ClinGen allele CA3249528.

ClinVar aggregate classification (germline): Likely benign. Review status: criteria provided, multiple submitters, no conflicts (2 of 4 stars). 3 submissions from 3 submitters: Likely benign (2). 1 of the submissions does not count toward it. Last evaluated 2026-02-02.

Conditions:
C7-related disorder. Also called: C7-related condition.

Allele frequency attached by ClinVar (database versions not stated): ExAC 0.00053; gnomAD exomes 0.00048 and 0.00096; gnomAD 0.00080 and 0.00088; ESP Exome Variant Server 0.00008; 1000 Genomes Project 0.00120; TOPMed 0.00124; 1000 Genomes Project 30x 0.00125.
gnomAD v4.1: 834 of 1,611,540 alleles (0.052%); highest among the groups gnomAD compares: Admixed American, 0.62%; 7 homozygotes.

Submissions (3):

Labcorp Genetics (formerly Invitae), Labcorp
Classification: Likely benign. Last evaluated: 2026-02-02. Review status: criteria provided, single submitter. Criteria: Invitae Variant Classification Sherloc (09022015). Collection method: clinical testing. Allele origin: germline.

Breakthrough Genomics
Classification: Likely benign. Review status: criteria provided, single submitter. Criteria: ACMG Guidelines, 2015. Collection method: not provided. Allele origin: germline. Inheritance: Unknown mechanism. Affected: yes.

PreventionGenetics, part of Exact Sciences
Classification: Likely benign for C7-related condition. Last evaluated: 2019-04-01. Review status: no assertion criteria provided. Collection method: clinical testing. Allele origin: germline. Not counted in ClinVar's aggregate classification.
Comment: This variant is classified as likely benign based on ACMG/AMP sequence variant interpretation guidelines (Richards et al. 2015 PMID: 25741868, with internal and published modifications).